The following is an entry in ClinVar:

NM_001378454.1(ALMS1):c.6457C>T (p.Gln2153Ter)

Gene: ALMS1 (ALMS1 centrosome and basal body associated protein; plus strand). Cytogenetic location: 2p13.1.
Variant type: single nucleotide variant.
Coding change: c.6457C>T on transcript NM_001378454.1 (MANE Select); coding-DNA position 6457, C replaced by T.
Protein change: p.Gln2153Ter; replaces glutamine 2153 with a stop codon.
Molecular consequence: nonsense.
Genome position (GRCh38, 1-based): chr2:73,452,984, C>T. VCF-style: chr2-73452984-C-T. GRCh37 (hg19) VCF-style: chr2-73680111-C-T.
Other names: c.6460C>T, p.Gln2154Ter (NM_015120.4); short protein forms Q2153*, Q2154*.
Identifiers: ClinVar variation 3912028 (VCV003912028.3).

ClinVar aggregate classification (germline): Pathogenic/Likely pathogenic. Review status: criteria provided, multiple submitters, no conflicts (2 of 4 stars). 2 submissions from 2 submitters: Pathogenic (1); Likely pathogenic (1). Last evaluated 2025-09-04.

Conditions:
Alstrom syndrome (ALMS). Identifiers: Orphanet 64, MedGen C0268425, MONDO:0008763, OMIM 203800.

Submissions (2):

Natera, Inc.
Classification: Likely pathogenic for Alstrom syndrome. Last evaluated: 2025-09-04. Review status: criteria provided, single submitter. Criteria: Natera Variant Classification Schema (03/2026). Collection method: clinical testing. Allele origin: germline.
Comment: The c.6460C>T variant in ALMS1 is a nonsense variant predicted to introduce a stop codon at amino acid 2154. This variant is expected to result in nonsense mediated decay, truncation, or a dysfunctional protein product. This variant is rare in the general population with a frequency below the threshold expected for the associated phenotype(s). Given the available evidence, this variant is classified as Likely Pathogenic.

Women's Health and Genetics/Laboratory Corporation of America, LabCorp
Classification: Pathogenic for Alstrom syndrome. Last evaluated: 2025-07-01. Review status: criteria provided, single submitter. Criteria: LabCorp Variant Classification Summary - May 2015. Collection method: clinical testing. Allele origin: germline.
Comment: Variant summary: ALMS1 c.6454C>T (p.Gln2152X) results in a premature termination codon, predicted to cause a truncation of the encoded protein or absence of the protein due to nonsense mediated decay, which are commonly known mechanisms for disease. The variant was absent in 247526 control chromosomes. To our knowledge, no occurrence of c.6454C>T in individuals affected with Alstrom Syndrome and no experimental evidence demonstrating its impact on protein function have been reported. No submitters have cited clinical-significance assessments for this variant to ClinVar. Based on the evidence outlined above, the variant was classified as pathogenic.